The following is an entry in ClinVar:

NM_015559.3(SETBP1):c.4161G>A (p.Thr1387=)

Gene: SETBP1 (SET binding protein 1; plus strand). Cytogenetic location: 18q12.3.
Variant type: single nucleotide variant.
Coding change: c.4161G>A on transcript NM_015559.3 (MANE Select); coding-DNA position 4161, G replaced by A.
Protein change: p.Thr1387=; no amino-acid change (threonine 1387 retained).
Molecular consequence: synonymous variant.
Genome position (GRCh38, 1-based): chr18:45,038,645, G>A. VCF-style: chr18-45038645-G-A. GRCh37 (hg19) VCF-style: chr18-42618610-G-A.
Other names: c.4161G>A, p.Thr1387= (NM_001379141.1, NM_001379142.1); c.4161G>A (NM_015559.2).
Identifiers: ClinVar variation 1602659 (VCV001602659.11), dbSNP rs767680563, ClinGen allele CA8946091.

ClinVar aggregate classification (germline): Likely benign. Review status: criteria provided, multiple submitters, no conflicts (2 of 4 stars). 3 submissions from 3 submitters: Likely benign (2). 1 of the submissions does not count toward it. Last evaluated 2026-09-01.

Conditions:
SETBP1-related disorder. Also called: SETBP1-related condition; SETBP1-related disorders.

Allele frequency attached by ClinVar (database versions not stated): ExAC 0.00004; gnomAD exomes 0.00005 and 0.00006; TOPMed 0.00006; gnomAD 0.00008.
gnomAD v4.1: 84 of 1,613,952 alleles (0.0052%); highest among the groups gnomAD compares: Non-Finnish European, 0.0061%; no homozygotes.

Submissions (3):

CeGaT Center for Human Genetics Tuebingen
Classification: Likely benign. Last evaluated: 2026-09-01. Review status: criteria provided, single submitter. Criteria: CeGaT Center For Human Genetics Tuebingen Variant Classification Criteria Version 2. Collection method: clinical testing. Allele origin: germline. Affected: yes. Observed: 2 variant alleles.
Comment: SETBP1: BP4, BP7

Labcorp Genetics (formerly Invitae), Labcorp
Classification: Likely benign. Last evaluated: 2025-06-09. Review status: criteria provided, single submitter. Criteria: Invitae Variant Classification Sherloc (09022015). Collection method: clinical testing. Allele origin: germline.

PreventionGenetics, part of Exact Sciences
Classification: Likely benign for SETBP1-related condition. Last evaluated: 2024-07-18. Review status: no assertion criteria provided. Collection method: clinical testing. Allele origin: germline. Not counted in ClinVar's aggregate classification.
Comment: This variant is classified as likely benign based on ACMG/AMP sequence variant interpretation guidelines (Richards et al. 2015 PMID: 25741868, with internal and published modifications).